The following is an entry in ClinVar:

ClinVar aggregate classification (germline): Uncertain significance (1 of 4 stars; one submission).

Allele frequency attached by ClinVar (database versions not stated): ESP Exome Variant Server 0.00008; ExAC 0.00007; gnomAD 0.00010.
gnomAD v4.1: 225 of 1,612,926 alleles (0.014%); highest among the groups gnomAD compares: Non-Finnish European, 0.018%; no homozygotes.

Submission:

Labcorp Genetics (formerly Invitae), Labcorp
Classification: Uncertain significance. Last evaluated: 2024-06-17. Review status: criteria provided, single submitter. Criteria: Invitae Variant Classification Sherloc (09022015). Collection method: clinical testing. Allele origin: germline.
Comment: This sequence change replaces alanine, which is neutral and non-polar, with threonine, which is neutral and polar, at codon 756 of the TRIOBP protein (p.Ala756Thr). This variant is present in population databases (rs369115746, gnomAD 0.02%). This variant has not been reported in the literature in individuals affected with TRIOBP-related conditions. ClinVar contains an entry for this variant (Variation ID: 2052240). Algorithms developed to predict the effect of missense changes on protein structure and function output the following: SIFT: "Not Available"; PolyPhen-2: "Possibly Damaging"; Align-GVGD: "Not Available". The threonine amino acid residue is found in multiple mammalian species, which suggests that this missense change does not adversely affect protein function. In summary, the available evidence is currently insufficient to determine the role of this variant in disease. Therefore, it has been classified as a Variant of Uncertain Significance.

NM_001039141.3(TRIOBP):c.2266G>A (p.Ala756Thr)

Gene: TRIOBP (TRIO and F-actin binding protein; plus strand). Cytogenetic location: 22q13.1.
Variant type: single nucleotide variant.
Coding change: c.2266G>A on transcript NM_001039141.3 (MANE Select); coding-DNA position 2266, G replaced by A.
Protein change: p.Ala756Thr; replaces alanine 756 with threonine.
Molecular consequence: missense variant.
Genome position (GRCh38, 1-based): chr22:37,724,822, G>A. VCF-style: chr22-37724822-G-A. GRCh37 (hg19) VCF-style: chr22-38120829-G-A.
Other names: short protein forms A756T.
Identifiers: ClinVar variation 2052240 (VCV002052240.4), dbSNP rs369115746, ClinGen allele CA10223834.
Genomic context (GRCh38, chr22:37,724,822, plus strand): 5'-AACAGAACCATCCAGCGAGACAACCCCAGAACATCCTGTGCCCAGCGGGACAATCCCAGA[G>A]CCTCCTCTCCTAACAGAACCATCCAACAAGAGAACCTCAGAACATCCTGTACCCGACAGG-3'
Protein context (NP_001034230.1, residues 746-766): TSCAQRDNPR[Ala756Thr]SSPNRTIQQE